The following is an entry in ClinVar:

NM_032772.6(ZNF503):c.1860C>T (p.Pro620=)

Gene: ZNF503 (zinc finger protein 503; minus strand). Cytogenetic location: 10q22.2.
Variant type: single nucleotide variant.
Coding change: c.1860C>T on transcript NM_032772.6 (MANE Select); coding-DNA position 1860, C replaced by T.
Protein change: p.Pro620=; no amino-acid change (proline 620 retained).
Molecular consequence: synonymous variant.
Genome position (GRCh38, 1-based): chr10:75,398,830, G>A on the plus strand (C>T on the coding strand, the complement: ZNF503 is on the minus strand). VCF-style: chr10-75398830-G-A. GRCh37 (hg19) VCF-style: chr10-77158588-G-A.
Identifiers: ClinVar variation 2640610 (VCV002640610.24), dbSNP rs1053391, ClinGen allele CA5566915.

ClinVar aggregate classification (germline): Likely benign (1 of 4 stars; one submission).

Allele frequency attached by ClinVar (database versions not stated): 1000 Genomes Project 30x 0.00016; 1000 Genomes Project 0.00020; ESP Exome Variant Server 0.00070.
gnomAD v4.1: 758 of 1,499,574 alleles (0.051%); highest among the groups gnomAD compares: Middle Eastern, 1.5%; 3 homozygotes.

Submission:

CeGaT Center for Human Genetics Tuebingen
Classification: Likely benign. Last evaluated: 2022-05-01. Review status: criteria provided, single submitter. Criteria: CeGaT Center For Human Genetics Tuebingen Variant Classification Criteria Version 2. Collection method: clinical testing. Allele origin: germline. Affected: yes. Observed: 4 variant alleles.
Comment: ZNF503: BP4, BP7